The following is an entry in ClinVar:

ClinVar aggregate classification (germline): Likely pathogenic (1 of 4 stars; one submission).

Submission:

Labcorp Genetics (formerly Invitae), Labcorp
Classification: Likely pathogenic. Last evaluated: 2024-11-21. Review status: criteria provided, single submitter. Criteria: Invitae Variant Classification Sherloc (09022015). Collection method: clinical testing. Allele origin: germline.
Comment: This sequence change replaces phenylalanine, which is neutral and non-polar, with leucine, which is neutral and non-polar, at codon 17 of the BEST1 protein (p.Phe17Leu). This variant is not present in population databases (gnomAD no frequency). This missense change has been observed in individual(s) with clinical features of Best disease (internal data). Invitae Evidence Modeling of protein sequence and biophysical properties (such as structural, functional, and spatial information, amino acid conservation, physicochemical variation, residue mobility, and thermodynamic stability) indicates that this missense variant is expected to disrupt BEST1 protein function with a positive predictive value of 95%. This variant disrupts the p.Phe17 amino acid residue in BEST1. Other variant(s) that disrupt this residue have been determined to be pathogenic (PMID: 11241846, 21273940, 32239196). This suggests that this residue is clinically significant, and that variants that disrupt this residue are likely to be disease-causing. In summary, the currently available evidence indicates that the variant is pathogenic, but additional data are needed to prove that conclusively. Therefore, this variant has been classified as Likely Pathogenic.

Literature cited by the submitters: PubMed 11241846; PubMed 21273940; PubMed 32239196.

NM_004183.4(BEST1):c.49T>C (p.Phe17Leu)

Gene: BEST1 (bestrophin 1; plus strand). Cytogenetic location: 11q12.3.
Variant type: single nucleotide variant.
Coding change: c.49T>C on transcript NM_004183.4 (MANE Select); coding-DNA position 49, T replaced by C.
Protein change: p.Phe17Leu; replaces phenylalanine 17 with leucine.
Molecular consequence: missense variant. On other transcripts: non-coding transcript variant (1), intron variant (6).
Genome position (GRCh38, 1-based): chr11:61,951,855, T>C. VCF-style: chr11-61951855-T-C. GRCh37 (hg19) VCF-style: chr11-61719327-T-C.
Other names: c.49T>C, p.Phe17Leu (NM_001363592.2, NM_001440571.1, NM_001440572.1 and 1 more transcripts); c.-29+1428T>C (NM_001139443.3, NM_001300787.2, NM_001440574.1 and 3 more transcripts); short protein forms F17L.
Identifiers: ClinVar variation 3634169 (VCV003634169.2).